The following is an entry in ClinVar:

NM_153026.3(PRICKLE1):c.611C>T (p.Thr204Ile)

Gene: PRICKLE1 (prickle planar cell polarity protein 1; minus strand). Cytogenetic location: 12q12.
Variant type: single nucleotide variant.
Coding change: c.611C>T on transcript NM_153026.3 (MANE Select); coding-DNA position 611, C replaced by T.
Protein change: p.Thr204Ile; replaces threonine 204 with isoleucine.
Molecular consequence: missense variant.
Genome position (GRCh38, 1-based): chr12:42,466,358, G>A on the plus strand (C>T on the coding strand, the complement: PRICKLE1 is on the minus strand). VCF-style: chr12-42466358-G-A. GRCh37 (hg19) VCF-style: chr12-42860160-G-A.
Other names: c.611C>T, p.Thr204Ile (NM_001144881.2, NM_001144882.2, NM_001144883.2); short protein forms T204I.
Identifiers: ClinVar variation 2132422 (VCV002132422.4), dbSNP rs1775935503, ClinGen allele CA384443579.
Genomic context (GRCh38, chr12:42,466,358, plus strand): 5'-ACCGTTTCACACTCAAGGCAGCAGAAGTGTTTCATGTGCCAATGGCGACCCTCAGCTTCT[G>A]TGCACTCATCAGCAAAAATTATCTTCAAAAAGAAATGTGAAACCAGAGAATGAAAGAAAA-3'
Protein context (NP_694571.2, residues 194-214): CDEIIFADEC[Thr204Ile]EAEGRHWHMK

ClinVar aggregate classification (germline): Uncertain significance (1 of 4 stars; one submission).

Conditions:
Epilepsy, progressive myoclonic, 1B. Also called: PME. Identifiers: Orphanet 308, MedGen C2676254, MONDO:0012904, OMIM 612437.

Allele frequency attached by ClinVar (database versions not stated): TOPMed below 0.00001.

Submission:

Labcorp Genetics (formerly Invitae), Labcorp
Classification: Uncertain significance for Epilepsy, progressive myoclonic, 1B. Last evaluated: 2024-01-24. Review status: criteria provided, single submitter. Criteria: Invitae Variant Classification Sherloc (09022015). Collection method: clinical testing. Allele origin: germline.
Comment: This sequence change replaces threonine, which is neutral and polar, with isoleucine, which is neutral and non-polar, at codon 204 of the PRICKLE1 protein (p.Thr204Ile). This variant is not present in population databases (gnomAD no frequency). This variant has not been reported in the literature in individuals affected with PRICKLE1-related conditions. ClinVar contains an entry for this variant (Variation ID: 2132422). Advanced modeling of protein sequence and biophysical properties (such as structural, functional, and spatial information, amino acid conservation, physicochemical variation, residue mobility, and thermodynamic stability) performed at Invitae indicates that this missense variant is expected to disrupt PRICKLE1 protein function with a positive predictive value of 80%. In summary, the available evidence is currently insufficient to determine the role of this variant in disease. Therefore, it has been classified as a Variant of Uncertain Significance.